The following is an entry in ClinVar:

ClinVar aggregate classification (germline): Pathogenic (1 of 4 stars; one submission).

Conditions:
Frontotemporal dementia and/or amyotrophic lateral sclerosis 1 (FTDALS1). Also called: C9orf72 Frontotemporal Dementia and/or Amyotrophic Lateral Sclerosis; Frontotemporal dementia with motor neuron disease 1. Identifiers: Orphanet 275872, MedGen C5779877, MONDO:0007105, OMIM 105550.
Paget disease of bone 2, early-onset (PDB2). Also called: Paget disease of bone 2. Identifiers: MedGen C4085251, MONDO:0011183, OMIM 602080.

Allele frequency attached by ClinVar (database versions not stated): gnomAD exomes below 0.00001.
gnomAD v4.1: 2 of 1,614,186 alleles (0.00012%); highest among the groups gnomAD compares: East Asian, 0.0022%; no homozygotes.

Submission:

Labcorp Genetics (formerly Invitae), Labcorp
Classification: Pathogenic for Paget disease of bone 2, early-onset; Frontotemporal dementia and/or amyotrophic lateral sclerosis 1. Last evaluated: 2019-02-05. Review status: criteria provided, single submitter. Criteria: Invitae Variant Classification Sherloc (09022015). Collection method: clinical testing. Allele origin: germline.
Comment: For these reasons, this variant has been classified as Pathogenic. This variant disrupts the p.Met404 amino acid residue in SQSTM1. Other variant(s) that disrupt this residue have been observed in individuals with SQSTM1-related conditions (PMID: 15125799, 15176995, 15765181, 17129171), suggesting that it is a clinically significant residue. As a result, variants that disrupt this residue are likely to be causative of disease. This variant has been reported to affect SQSTM1 protein function (PMID: 16691492, 22491873). This variant has been observed in individuals affected with Paget disease of bone (PMID: 15146436, 22491873). This variant is not present in population databases (ExAC no frequency). This sequence change replaces methionine with threonine at codon 404 of the SQSTM1 protein (p.Met404Thr). The methionine residue is highly conserved and there is a moderate physicochemical difference between methionine and threonine.

Literature cited by the submitters: PubMed 15125799; PubMed 15176995; PubMed 15765181; PubMed 17129171; PubMed 16691492; PubMed 22491873; PubMed 15146436.

NM_003900.5(SQSTM1):c.1211T>C (p.Met404Thr)

Gene: SQSTM1 (sequestosome 1; plus strand). Cytogenetic location: 5q35.3.
Variant type: single nucleotide variant.
Coding change: c.1211T>C on transcript NM_003900.5 (MANE Select); coding-DNA position 1211, T replaced by C.
Protein change: p.Met404Thr; replaces methionine 404 with threonine.
Molecular consequence: missense variant.
Genome position (GRCh38, 1-based): chr5:179,836,481, T>C. VCF-style: chr5-179836481-T-C. GRCh37 (hg19) VCF-style: chr5-179263481-T-C.
Other names: c.959T>C, p.Met320Thr (NM_001142298.2, NM_001142299.2); short protein forms M320T, M404T.
Identifiers: ClinVar variation 855037 (VCV000855037.9), dbSNP rs1247551175, ClinGen allele CA362453763.